The following is an entry in ClinVar:

NM_017780.4(CHD7):c.3378+5G>A

Gene: CHD7 (chromodomain helicase DNA binding protein 7; plus strand). Cytogenetic location: 8q12.2.
Variant type: single nucleotide variant.
Coding change: c.3378+5G>A on transcript NM_017780.4 (MANE Select); 5 bases into the intron after coding-DNA position 3378, G replaced by A.
Molecular consequence: intron variant.
Genome position (GRCh38, 1-based): chr8:60,824,021, G>A. VCF-style: chr8-60824021-G-A. GRCh37 (hg19) VCF-style: chr8-61736580-G-A.
Other names: c.1717-38208G>A (NM_001316690.1).
Identifiers: ClinVar variation 2499898 (VCV002499898.1), dbSNP rs1554598029, ClinGen allele CA371312860.

ClinVar aggregate classification (germline): Likely pathogenic (1 of 4 stars; one submission).

Submission:

GeneDx
Classification: Likely pathogenic. Last evaluated: 2022-10-21. Review status: criteria provided, single submitter. Criteria: GeneDx Variant Classification Process June 2021. Collection method: clinical testing. Allele origin: germline. Affected: yes.
Comment: Intronic +5 splice site variant in a gene for which loss of function is a known mechanism of disease, and both splice predictors and evolutionary conservation support a deleterious effect, although in the absence of functional evidence the actual effect of this sequence change is unknown.; Not observed at significant frequency in large population cohorts (gnomAD); This variant is associated with the following publications: (PMID: 27832265, 31387071)